The following is an entry in ClinVar:

ClinVar aggregate classification (germline): Uncertain significance (1 of 4 stars; one submission).

Submission:

Labcorp Genetics (formerly Invitae), Labcorp
Classification: Uncertain significance. Last evaluated: 2024-05-16. Review status: criteria provided, single submitter. Criteria: Invitae Variant Classification Sherloc (09022015). Collection method: clinical testing. Allele origin: germline.
Comment: This sequence change creates a premature translational stop signal (p.Thr432Serfs*3) in the CARD8 gene. While this is not anticipated to result in nonsense mediated decay, it is expected to disrupt the last 56 amino acid(s) of the CARD8 protein. This variant is present in population databases (no rsID available, gnomAD 0.004%). This variant has not been reported in the literature in individuals affected with CARD8-related conditions. ClinVar contains an entry for this variant (Variation ID: 1417439). In summary, the available evidence is currently insufficient to determine the role of this variant in disease. Therefore, it has been classified as a Variant of Uncertain Significance.

NM_001184900.3(CARD8):c.1440_1443dup (p.Thr482fs)

Gene: CARD8 (caspase recruitment domain family member 8; minus strand). Cytogenetic location: 19q13.33.
Variant type: Duplication.
Coding change: c.1440_1443dup on transcript NM_001184900.3 (MANE Select); coding-DNA positions 1440 to 1443, 4 bases duplicated (TCTT; older notation c.1440_1443dupTCTT).
Protein change: p.Thr482fs; shifts the reading frame from threonine 482.
Molecular consequence: frameshift variant. On other transcripts: 3 prime UTR variant (7), non-coding transcript variant (3), intron variant (1).
Genome position (GRCh38, 1-based): chr19:48,211,881-48,211,884, AAGA duplicated on the plus strand (TCTT on the coding strand, the reverse complement: CARD8 is on the minus strand); duplicating any 4 consecutive bases within chr19:48,211,881-48,211,885 gives the same sequence; the c. name uses the placement nearest the transcript's 3' end. VCF-style (leftmost placement, unchanged base first): chr19-48211880-T-TAAGA. GRCh37 (hg19) VCF-style: chr19-48715137-T-TAAGA.
Other names: c.1290_1293dup, p.Thr432fs (NM_001184901.1, NM_001351783.2, NM_014959.5); c.*119_*122dup (NM_001184902.2, NM_001184903.1, NM_001351788.2 and 4 more transcripts); c.1440_1443dup, p.Thr482fs (NM_001351782.2); c.1125_1128dup, p.Thr377fs (NM_001351784.2); c.1104_1107dup, p.Thr370fs (NM_001351786.2); c.1122_1125dup, p.Thr376fs (NM_001365950.1); c.1033+3456_1033+3459dup (NM_001351787.2); short protein forms T370fs, T432fs, T482fs, T377fs, T376fs.
Identifiers: ClinVar variation 1417439 (VCV001417439.6), dbSNP rs1269018291, ClinGen allele CA633886195.